The following is an entry in ClinVar:

ClinVar aggregate classification (germline): Uncertain significance (1 of 4 stars; one submission).

Conditions:
REN-related disorder. Also called: REN-related condition.

gnomAD v4.1: 1 of 1,614,238 alleles (0.000062%); highest among the groups gnomAD compares: Middle Eastern, 0.016%; no homozygotes.

Submission:

PreventionGenetics, part of Exact Sciences
Classification: Uncertain significance for REN-related condition. Last evaluated: 2025-01-29. Review status: criteria provided, single submitter. Criteria: ACMG Guidelines, 2015. Collection method: clinical testing. Allele origin: germline.
Comment: The REN c.943A>C variant is predicted to result in the amino acid substitution p.Lys315Gln. To our knowledge, this variant has not been reported in the literature or in a large population database (gnomAD), indicating this variant is rare. At this time, the clinical significance of this variant is uncertain due to the absence of conclusive functional and genetic evidence.

NM_000537.4(REN):c.943A>C (p.Lys315Gln)

Gene: REN (renin; minus strand). Cytogenetic location: 1q32.1.
Variant type: single nucleotide variant.
Coding change: c.943A>C on transcript NM_000537.4 (MANE Select); coding-DNA position 943, A replaced by C.
Protein change: p.Lys315Gln; replaces lysine 315 with glutamine.
Molecular consequence: missense variant.
Genome position (GRCh38, 1-based): chr1:204,156,195, T>G on the plus strand (A>C on the coding strand, the complement: REN is on the minus strand). VCF-style: chr1-204156195-T-G. GRCh37 (hg19) VCF-style: chr1-204125323-T-G.
Other names: short protein forms K315Q.
Identifiers: ClinVar variation 4998187 (VCV004998187.1).